The following is an entry in ClinVar:

NM_017654.4(SAMD9):c.1030C>T (p.Arg344Ter)

Gene: SAMD9 (sterile alpha motif domain containing 9; minus strand). Cytogenetic location: 7q21.2.
Variant type: single nucleotide variant.
Coding change: c.1030C>T on transcript NM_017654.4 (MANE Select); coding-DNA position 1030, C replaced by T.
Protein change: p.Arg344Ter; replaces arginine 344 with a stop codon.
Molecular consequence: nonsense.
Genome position (GRCh38, 1-based): chr7:93,105,068, G>A on the plus strand (C>T on the coding strand, the complement: SAMD9 is on the minus strand). VCF-style: chr7-93105068-G-A. GRCh37 (hg19) VCF-style: chr7-92734381-G-A.
Other names: c.1030C>T, p.Arg344Ter (NM_001193307.2); c.1030C>T (NM_017654.3); short protein forms R344*.
Identifiers: ClinVar variation 929259 (VCV000929259.14), dbSNP rs543007243, ClinGen allele CA4343038.
Genomic context (GRCh38, chr7:93,105,068, plus strand): 5'-CTTTAAATGCTCTGAAATCAACTTTATTTTTCGTAATGTCCTTAGAGCTGGTCCCATCTC[G>A]CACAAATAGTGAGAATTTTTTACTTTGTTCCCATATTTTGTTGTTGTAATTTTGCATTTT-3'

ClinVar aggregate classification (germline): Uncertain significance. Review status: criteria provided, multiple submitters, no conflicts (2 of 4 stars). 5 submissions from 5 submitters: Uncertain significance (4). 1 of the submissions does not count toward it. Last evaluated 2026-01-27.

Conditions:
Normophosphatemic familial tumoral calcinosis. Also called: CALCINOSIS, TUMORAL, WITH NORMOPHOSPHATEMIA. Identifiers: Orphanet 306658, Orphanet 53715, MedGen C1864861, MONDO:0012502, OMIM 610455.

Allele frequency attached by ClinVar (database versions not stated): gnomAD 0.00002 and 0.00001; 1000 Genomes Project 30x 0.00016; TOPMed 0.00002; ExAC 0.00003; 1000 Genomes Project 0.00020.
gnomAD v4.1: 37 of 1,613,776 alleles (0.0023%); highest among the groups gnomAD compares: South Asian, 0.0099%; no homozygotes.

Submissions (5):

Labcorp Genetics (formerly Invitae), Labcorp
Classification: Uncertain significance. Last evaluated: 2026-01-27. Review status: criteria provided, single submitter. Criteria: Invitae Variant Classification Sherloc (09022015). Collection method: clinical testing. Allele origin: germline.
Comment: This sequence change creates a premature translational stop signal (p.Arg344*) in the SAMD9 gene. While this is not anticipated to result in nonsense mediated decay, it is expected to disrupt the last 1246 amino acid(s) of the SAMD9 protein. This variant is present in population databases (rs543007243, gnomAD 0.01%). This premature translational stop signal has been observed in individual(s) with normophosphatemic familial tumoral calcinosis (PMID: 18094730). In at least one individual the data is consistent with being in trans (on the opposite chromosome) from a pathogenic variant. It has also been observed to segregate with disease in related individuals. ClinVar contains an entry for this variant (Variation ID: 929259). Algorithms developed to predict the effect of variants on gene product structure and function are not available or were not evaluated for this variant. Experimental studies are conflicting or provide insufficient evidence to determine the effect of this variant on SAMD9 function (PMID: 28346228). In summary, the available evidence is currently insufficient to determine the role of this variant in disease. Therefore, it has been classified as a Variant of Uncertain Significance.

Blueprint Genetics
Classification: Uncertain significance. Last evaluated: 2024-08-12. Review status: criteria provided, single submitter. Criteria: ACMG Guidelines, 2015. Collection method: clinical testing. Allele origin: germline.

Revvity Omics, Revvity
Classification: Uncertain significance. Last evaluated: 2024-06-04. Review status: criteria provided, single submitter. Criteria: ACMG Guidelines, 2015. Collection method: clinical testing. Allele origin: germline.

GeneDx
Classification: Uncertain significance. Last evaluated: 2024-03-27. Review status: criteria provided, single submitter. Criteria: GeneDx Variant Classification Process June 2021. Collection method: clinical testing. Allele origin: germline. Affected: yes.
Comment: Nonsense variant predicted to result in protein truncation as the last 1246 amino acids are lost, in a gene for which loss of function is not an established mechanism of disease; Observed in an individual with MIRAGE syndrome who also harbored a second pathogenic variant in SAMD9; however, it is unknown whether the variants are on the same or opposite chromosomes (in cis or trans) (PMID: 28346228); Published functional studies support a damaging effect: increased cellular proliferation (PMID: 28346228); This variant is associated with the following publications: (PMID: 34426522, 18094730, 28545555, 31501239, 31535357, 28346228)

OMIM
Classification: Pathogenic for TUMORAL CALCINOSIS, NORMOPHOSPHATEMIC, FAMILIAL. Last evaluated: 2020-12-11. Review status: no assertion criteria provided. Collection method: literature only. Allele origin: germline. Not counted in ClinVar's aggregate classification.

Literature cited by the submitters: PubMed 18094730 (cited by Labcorp Genetics (formerly Invitae), Labcorp and OMIM); PubMed 28346228 (cited by Labcorp Genetics (formerly Invitae), Labcorp).